The following is an entry in ClinVar:

ClinVar aggregate classification (germline): Uncertain significance (1 of 4 stars; one submission).

Conditions:
Diamond-Blackfan anemia. Also called: Blackfan Diamond syndrome; Aregenerative anemia chronic congenital; Red cell aplasia, pure hereditary; Congenital hypoplastic anemia; Aase syndrome. Identifiers: Orphanet 124, MedGen C1260899, MeSH D029503, MONDO:0015253, HP:0004810.

Allele frequency attached by ClinVar (database versions not stated): TOPMed below 0.00001; gnomAD exomes 0.00001.
gnomAD v4.1: 16 of 1,614,154 alleles (0.00099%); highest among the groups gnomAD compares: Non-Finnish European, 0.0013%; no homozygotes.

Submission:

Labcorp Genetics (formerly Invitae), Labcorp
Classification: Uncertain significance for Diamond-Blackfan anemia. Last evaluated: 2022-05-29. Review status: criteria provided, single submitter. Criteria: Invitae Variant Classification Sherloc (09022015). Collection method: clinical testing. Allele origin: germline.
Comment: This sequence change replaces glutamine, which is neutral and polar, with glutamic acid, which is acidic and polar, at codon 3 of the RPL11 protein (p.Gln3Glu). In summary, the available evidence is currently insufficient to determine the role of this variant in disease. Therefore, it has been classified as a Variant of Uncertain Significance. Algorithms developed to predict the effect of sequence changes on RNA splicing suggest that this variant may disrupt the consensus splice site. Algorithms developed to predict the effect of missense changes on protein structure and function (SIFT, PolyPhen-2, Align-GVGD) all suggest that this variant is likely to be tolerated. This variant has not been reported in the literature in individuals affected with RPL11-related conditions. This variant is present in population databases (no rsID available, gnomAD 0.0009%).

NM_000975.5(RPL11):c.7C>G (p.Gln3Glu)

Gene: RPL11 (ribosomal protein L11; plus strand). Cytogenetic location: 1p36.11.
Variant type: single nucleotide variant.
Coding change: c.7C>G on transcript NM_000975.5 (MANE Select); coding-DNA position 7, C replaced by G.
Protein change: p.Gln3Glu; replaces glutamine 3 with glutamic acid.
Molecular consequence: missense variant. On other transcripts: intron variant (1).
Genome position (GRCh38, 1-based): chr1:23,692,609, C>G. VCF-style: chr1-23692609-C-G. GRCh37 (hg19) VCF-style: chr1-24019099-C-G.
Other names: c.7-3C>G (NM_001199802.1); short protein forms Q3E.
Identifiers: ClinVar variation 2187231 (VCV002187231.4), dbSNP rs1176216952, ClinGen allele CA338991250.